The following is an entry in ClinVar:

NM_000180.4(GUCY2D):c.2897G>A (p.Arg966His)

Gene: GUCY2D (guanylate cyclase 2D, retinal; plus strand). Cytogenetic location: 17p13.1.
Variant type: single nucleotide variant.
Coding change: c.2897G>A on transcript NM_000180.4 (MANE Select); coding-DNA position 2897, G replaced by A.
Protein change: p.Arg966His; replaces arginine 966 with histidine.
Molecular consequence: missense variant.
Genome position (GRCh38, 1-based): chr17:8,015,455, G>A. VCF-style: chr17-8015455-G-A. GRCh37 (hg19) VCF-style: chr17-7918773-G-A.
Other names: c.2897G>A (NM_000180.3); short protein forms R966H.
Identifiers: ClinVar variation 2082999 (VCV002082999.3), dbSNP rs1417190573, ClinGen allele CA8366251.

ClinVar aggregate classification (germline): Uncertain significance. Review status: criteria provided, multiple submitters, no conflicts (2 of 4 stars). 3 submissions from 3 submitters: Uncertain significance (3). Last evaluated 2024-10-07.

Conditions:
Inborn genetic diseases. Identifiers: MedGen C0950123, MeSH D030342.
Leber congenital amaurosis 1 (LCA1). Also called: AMAUROSIS CONGENITA OF LEBER I; RETINAL BLINDNESS, CONGENITAL; Congenital absence of the rods and cones; Leber's congenital tapetoretinal degeneration; Leber's congenital tapetoretinal dysplasia. Identifiers: Orphanet 65, MedGen C2931258, MONDO:0008764, OMIM 204000.
Cone-rod dystrophy 6 (CORD6). Also called: Cone dystrophy progressive; RETINAL CONE DYSTROPHY 2. Identifiers: Orphanet 1872, MedGen C1866293, MONDO:0011143, OMIM 601777.

Allele frequency attached by ClinVar (database versions not stated): TOPMed below 0.00001.
gnomAD v4.1: 32 of 1,613,516 alleles (0.002%); highest among the groups gnomAD compares: South Asian, 0.031%; no homozygotes.

Submissions (3):

Ambry Genetics
Classification: Uncertain significance for Inborn genetic diseases. Last evaluated: 2024-10-07. Review status: criteria provided, single submitter. Criteria: Ambry Variant Classification Scheme 2023. Collection method: clinical testing. Allele origin: germline.

Blueprint Genetics
Classification: Uncertain significance. Last evaluated: 2024-07-23. Review status: criteria provided, single submitter. Criteria: ACMG Guidelines, 2015. Collection method: clinical testing. Allele origin: germline.

Labcorp Genetics (formerly Invitae), Labcorp
Classification: Uncertain significance for Leber congenital amaurosis 1; Cone-rod dystrophy 6. Last evaluated: 2022-09-23. Review status: criteria provided, single submitter. Criteria: Invitae Variant Classification Sherloc (09022015). Collection method: clinical testing. Allele origin: germline.
Comment: This sequence change replaces arginine, which is basic and polar, with histidine, which is basic and polar, at codon 966 of the GUCY2D protein (p.Arg966His). This variant is present in population databases (no rsID available, gnomAD 0.02%). This variant has not been reported in the literature in individuals affected with GUCY2D-related conditions. Algorithms developed to predict the effect of missense changes on protein structure and function (SIFT, PolyPhen-2, Align-GVGD) all suggest that this variant is likely to be disruptive. In summary, the available evidence is currently insufficient to determine the role of this variant in disease. Therefore, it has been classified as a Variant of Uncertain Significance.